The following is an entry in ClinVar:

NM_014856.3(DENND4B):c.1681C>T (p.Arg561Trp)

Gene: DENND4B (DENN domain containing 4B; minus strand). Cytogenetic location: 1q21.3.
Variant type: single nucleotide variant.
Coding change: c.1681C>T on transcript NM_014856.3 (MANE Select); coding-DNA position 1681, C replaced by T.
Protein change: p.Arg561Trp; replaces arginine 561 with tryptophan.
Molecular consequence: missense variant.
Genome position (GRCh38, 1-based): chr1:153,939,727, G>A on the plus strand (C>T on the coding strand, the complement: DENND4B is on the minus strand). VCF-style: chr1-153939727-G-A. GRCh37 (hg19) VCF-style: chr1-153912203-G-A.
Other names: c.1714C>T, p.Arg572Trp (NM_001367466.1); short protein forms R561W, R572W.
Identifiers: ClinVar variation 2594055 (VCV002594055.5), dbSNP rs561693072, ClinGen allele CA1121639.

ClinVar aggregate classification (germline): Uncertain significance. Review status: criteria provided, multiple submitters, no conflicts (2 of 4 stars). 3 submissions from 3 submitters: Uncertain significance (3). Last evaluated 2025-06-18.

Conditions:
DENND4B-related disorder. Also called: DENND4B-related condition.

Allele frequency attached by ClinVar (database versions not stated): gnomAD exomes 0.00003; ExAC 0.00005; gnomAD 0.00011; 1000 Genomes Project 0.00020; TOPMed 0.00020; 1000 Genomes Project 30x 0.00031.
gnomAD v4.1: 60 of 1,613,932 alleles (0.0037%); highest among the groups gnomAD compares: Admixed American, 0.048%; no homozygotes.

Submissions (3):

Ambry Genetics
Classification: Uncertain significance. Last evaluated: 2025-06-18. Review status: criteria provided, single submitter. Criteria: Ambry Variant Classification Scheme 2023. Collection method: clinical testing. Allele origin: germline.

PreventionGenetics, part of Exact Sciences
Classification: Uncertain significance for DENND4B-related condition. Last evaluated: 2024-12-12. Review status: criteria provided, single submitter. Criteria: ACMG Guidelines, 2015. Collection method: clinical testing. Allele origin: germline.
Comment: The DENND4B c.1681C>T variant is predicted to result in the amino acid substitution p.Arg561Trp. To our knowledge, this variant has not been reported in the literature. This variant is reported in 0.035% of alleles in individuals of Latino descent in gnomAD. At this time, the clinical significance of this variant is uncertain due to the absence of conclusive functional and genetic evidence.

Breakthrough Genomics
Classification: Uncertain significance. Review status: criteria provided, single submitter. Criteria: ACMG Guidelines, 2015. Collection method: not provided. Allele origin: germline. Inheritance: Unknown mechanism. Affected: yes.